The following is an entry in ClinVar:

NM_014363.6(SACS):c.10076C>A (p.Thr3359Lys)

Gene: SACS (sacsin molecular chaperone; minus strand). Cytogenetic location: 13q12.12.
Variant type: single nucleotide variant.
Coding change: c.10076C>A on transcript NM_014363.6 (MANE Select); coding-DNA position 10076, C replaced by A.
Protein change: p.Thr3359Lys; replaces threonine 3359 with lysine.
Molecular consequence: missense variant.
Genome position (GRCh38, 1-based): chr13:23,333,800, G>T on the plus strand (C>A on the coding strand, the complement: SACS is on the minus strand). VCF-style: chr13-23333800-G-T. GRCh37 (hg19) VCF-style: chr13-23907939-G-T.
Other names: c.9635C>A, p.Thr3212Lys (NM_001278055.2); short protein forms T3212K, T3359K.
Identifiers: ClinVar variation 1375347 (VCV001375347.6), dbSNP rs368089670, ClinGen allele CA387513021.
Genomic context (GRCh38, chr13:23,333,800, plus strand): 5'-AATTTTTCTGCTCTAAATGTTGAAGTTTGGACCATATAATGTAGAGCCTTCAAGATGCTT[G>T]TGGGGCTCTCTATATTTGCTGTGTGACATGACAACAAAGGAACAAATGCACTGTCTTTGG-3'
Protein context (NP_055178.3, residues 3349-3369): SCHTANIESP[Thr3359Lys]SILKALHYMV

ClinVar aggregate classification (germline): Uncertain significance (1 of 4 stars; one submission).

Conditions:
Spastic paraplegia. Identifiers: MedGen C0037772, HP:0001258.

gnomAD v4.1: 1 of 1,613,844 alleles (0.000062%); highest among the groups gnomAD compares: Non-Finnish European, 0.000085%; no homozygotes.

Submission:

Labcorp Genetics (formerly Invitae), Labcorp
Classification: Uncertain significance for Spastic paraplegia. Last evaluated: 2022-08-09. Review status: criteria provided, single submitter. Criteria: Invitae Variant Classification Sherloc (09022015). Collection method: clinical testing. Allele origin: germline.
Comment: This variant has not been reported in the literature in individuals affected with SACS-related conditions. ClinVar contains an entry for this variant (Variation ID: 1375347). This variant is not present in population databases (gnomAD no frequency). This sequence change replaces threonine, which is neutral and polar, with lysine, which is basic and polar, at codon 3359 of the SACS protein (p.Thr3359Lys). In summary, the available evidence is currently insufficient to determine the role of this variant in disease. Therefore, it has been classified as a Variant of Uncertain Significance. Advanced modeling of protein sequence and biophysical properties (such as structural, functional, and spatial information, amino acid conservation, physicochemical variation, residue mobility, and thermodynamic stability) performed at Invitae indicates that this missense variant is not expected to disrupt SACS protein function.